The following is an entry in ClinVar:

NM_203447.4(DOCK8):c.4998G>C (p.Val1666=)

Gene: DOCK8 (dedicator of cytokinesis 8; plus strand). Cytogenetic location: 9p24.3.
Variant type: single nucleotide variant.
Coding change: c.4998G>C on transcript NM_203447.4 (MANE Select); coding-DNA position 4998, G replaced by C.
Protein change: p.Val1666=; no amino-acid change (valine 1666 retained).
Molecular consequence: synonymous variant.
Genome position (GRCh38, 1-based): chr9:434,894, G>C. VCF-style: chr9-434894-G-C. GRCh37 (hg19) VCF-style: chr9-434894-G-C.
Other names: c.4698G>C, p.Val1566= (NM_001190458.2); c.4794G>C, p.Val1598= (NM_001193536.2).
Identifiers: ClinVar variation 504725 (VCV000504725.38), dbSNP rs370901183, ClinGen allele CA4959266.

ClinVar aggregate classification (germline): Likely benign. Review status: criteria provided, multiple submitters, no conflicts (2 of 4 stars). 6 submissions from 6 submitters: Likely benign (5). 1 of the submissions does not count toward it. Last evaluated 2026-04-20.

Conditions:
Combined immunodeficiency due to DOCK8 deficiency (HIES2). Also called: HYPER-IgE RECURRENT INFECTION SYNDROME 2, AUTOSOMAL RECESSIVE; HYPER-IgE SYNDROME 2, AUTOSOMAL RECESSIVE, WITH RECURRENT INFECTIONS; DOCK8 Deficiency; HIES autosomal recessive; Hyper-IgE recurrent infection syndrome, autosomal recessive. Identifiers: Orphanet 217390, MedGen C4722305, MONDO:0009478, OMIM 243700.

Allele frequency attached by ClinVar (database versions not stated): ESP Exome Variant Server 0.00008; TOPMed 0.00009; gnomAD 0.00011 and 0.00013.
gnomAD v4.1: 251 of 1,613,810 alleles (0.016%); highest among the groups gnomAD compares: Non-Finnish European, 0.019%; no homozygotes.

Submissions (6):

Women's Health and Genetics/Laboratory Corporation of America, LabCorp
Classification: Likely benign. Last evaluated: 2026-04-20. Review status: criteria provided, single submitter. Criteria: LabCorp Variant Classification Summary - May 2015. Collection method: clinical testing. Allele origin: germline.

Labcorp Genetics (formerly Invitae), Labcorp
Classification: Likely benign for Combined immunodeficiency due to DOCK8 deficiency. Last evaluated: 2026-01-14. Review status: criteria provided, single submitter. Criteria: Invitae Variant Classification Sherloc (09022015). Collection method: clinical testing. Allele origin: germline.

Blueprint Genetics
Classification: Likely benign. Last evaluated: 2024-11-17. Review status: criteria provided, single submitter. Criteria: ACMG Guidelines, 2015. Collection method: clinical testing. Allele origin: germline.

CeGaT Center for Human Genetics Tuebingen
Classification: Likely benign. Last evaluated: 2024-04-01. Review status: criteria provided, single submitter. Criteria: CeGaT Center For Human Genetics Tuebingen Variant Classification Criteria Version 2. Collection method: clinical testing. Allele origin: germline. Affected: yes. Observed: 1 variant allele.
Comment: DOCK8: BP4, BP7

Laboratory for Molecular Medicine, Mass General Brigham Personalized Medicine
Classification: Likely benign. Last evaluated: 2016-07-28. Review status: criteria provided, single submitter. Criteria: LMM Criteria. Collection method: clinical testing. Allele origin: germline. Observed: 1 variant allele.
Comment: p.Val1666Val in exon 39 of DOCK8: This variant is not expected to have clinical significance because it does not alter an amino acid residue and is not located within the splice consensus sequence. It has been identified in 11/66580 Europea n chromosomes by the Exome Aggregation Consortium (ExAC; dbSNP rs370901183).

Genetic Services Laboratory, University of Chicago
Classification: Likely benign. Last evaluated: 2022-12-13. Review status: no assertion criteria provided. Collection method: clinical testing. Allele origin: germline. Affected: no. Not counted in ClinVar's aggregate classification.